The following is an entry in ClinVar:

NM_001080517.3(SETD5):c.3600A>G (p.Thr1200=)

Gene: SETD5 (SET domain containing 5; plus strand). Cytogenetic location: 3p25.3.
Variant type: single nucleotide variant.
Coding change: c.3600A>G on transcript NM_001080517.3 (MANE Select); coding-DNA position 3600, A replaced by G.
Protein change: p.Thr1200=; no amino-acid change (threonine 1200 retained).
Molecular consequence: synonymous variant.
Genome position (GRCh38, 1-based): chr3:9,474,551, A>G. VCF-style: chr3-9474551-A-G. GRCh37 (hg19) VCF-style: chr3-9516235-A-G.
Other names: c.3306A>G, p.Thr1102= (NM_001292043.2, NM_001349451.2).
Identifiers: ClinVar variation 718008 (VCV000718008.35), dbSNP rs376334779, ClinGen allele CA2239731.

ClinVar aggregate classification (germline): Benign/Likely benign. Review status: criteria provided, multiple submitters, no conflicts (2 of 4 stars). 4 submissions from 4 submitters: Benign (2); Likely benign (1). 1 of the submissions does not count toward it. Last evaluated 2026-07-01.

Conditions:
SETD5-related disorder. Also called: SETD5-related disorders; SETD5-related condition.

Allele frequency attached by ClinVar (database versions not stated): ESP Exome Variant Server 0.00008; TOPMed 0.00008; gnomAD 0.00042 and 0.00001; gnomAD exomes 0.00180; ExAC 0.00198; 1000 Genomes Project 30x 0.00265; 1000 Genomes Project 0.00300.
gnomAD v4.1: 1,431 of 1,613,890 alleles (0.089%); highest among the groups gnomAD compares: South Asian, 1.4%; 15 homozygotes.

Submissions (6):

CeGaT Center for Human Genetics Tuebingen
Classification: Benign. Last evaluated: 2026-07-01. Review status: criteria provided, single submitter. Criteria: CeGaT Center For Human Genetics Tuebingen Variant Classification Criteria Version 2. Collection method: clinical testing. Allele origin: germline. Affected: yes. Observed: 8 variant alleles.
Comment: SETD5: BP4, BP7, BS1, BS2

Labcorp Genetics (formerly Invitae), Labcorp
Classification: Benign. Last evaluated: 2025-10-17. Review status: criteria provided, single submitter. Criteria: Invitae Variant Classification Sherloc (09022015). Collection method: clinical testing. Allele origin: germline.

GeneDx
Classification: Likely benign. Last evaluated: 2020-07-06. Review status: criteria provided, single submitter. Criteria: GeneDx Variant Classification Process June 2021. Collection method: clinical testing. Allele origin: germline. Affected: yes.

PreventionGenetics, part of Exact Sciences
Classification: Benign for SETD5-related condition. Last evaluated: 2024-09-18. Review status: no assertion criteria provided. Collection method: clinical testing. Allele origin: germline. Not counted in ClinVar's aggregate classification.
Comment: This variant is classified as benign based on ACMG/AMP sequence variant interpretation guidelines (Richards et al. 2015 PMID: 25741868, with internal and published modifications).

Dr. Peter K. Rogan Lab, Western University
No classification provided (evidence only). Condition: Malignant tumor of urinary bladder. Review status: no classification provided. Collection method: in vitro. Allele origin: not applicable. Functional consequence: retained intron. Not counted in ClinVar's aggregate classification.

Dr. Peter K. Rogan Lab, Western University
No classification provided (evidence only). Condition: Thyroid cancer, nonmedullary, 1. Review status: no classification provided. Collection method: in vitro. Allele origin: not applicable. Functional consequence: retained intron. Not counted in ClinVar's aggregate classification.